The following is an entry in ClinVar:

ClinVar aggregate classification (germline): Uncertain significance (1 of 4 stars; one submission).

Conditions:
Fanconi anemia (FA). Also called: Fanconi's anemia. Identifiers: Orphanet 84, MedGen C0015625, MeSH D005199, MONDO:0019391.

Submission:

Labcorp Genetics (formerly Invitae), Labcorp
Classification: Uncertain significance for Fanconi anemia. Last evaluated: 2025-10-02. Review status: criteria provided, single submitter. Criteria: Invitae Variant Classification Sherloc (09022015). Collection method: clinical testing. Allele origin: germline.
Comment: This sequence change falls in intron 21 of the FANCM gene. It does not directly change the encoded amino acid sequence of the FANCM protein. It affects a nucleotide within the consensus splice site. This variant is not present in population databases (gnomAD no frequency). This variant has not been reported in the literature in individuals affected with FANCM-related conditions. Variants that disrupt the consensus splice site are a relatively common cause of aberrant splicing (PMID: 17576681, 9536098). Algorithms developed to predict the effect of sequence changes on RNA splicing suggest that this variant is not likely to affect RNA splicing. In summary, the available evidence is currently insufficient to determine the role of this variant in disease. Therefore, it has been classified as a Variant of Uncertain Significance.

Literature cited by the submitters: PubMed 17576681; PubMed 9536098.

NM_020937.4(FANCM):c.5716+3T>C

Gene: FANCM (FA complementation group M; plus strand). Cytogenetic location: 14q21.2.
Variant type: single nucleotide variant.
Coding change: c.5716+3T>C on transcript NM_020937.4 (MANE Select); 3 bases into the intron after coding-DNA position 5716, T replaced by C.
Molecular consequence: intron variant.
Genome position (GRCh38, 1-based): chr14:45,196,550, T>C. VCF-style: chr14-45196550-T-C. GRCh37 (hg19) VCF-style: chr14-45665753-T-C.
Other names: c.5638+3T>C (NM_001308133.2).
Identifiers: ClinVar variation 4750072 (VCV004750072.1).
Genomic context (GRCh38, chr14:45,196,550, plus strand): 5'-CTGCAGAGTATGTTTGAAAGAATATGTGTGATTGTGGAAAAGGACAGAGAAAAAACAGGT[T>C]TGTATTTTTAAATATCTTTGTTTATAAGACTGTAAAGGAACTTTACGGTTAACTTAGTTT-3'